The following is an entry in ClinVar:

NM_000051.4(ATM):c.3277A>G (p.Ile1093Val)

Gene: ATM (ATM serine/threonine kinase; plus strand). Cytogenetic location: 11q22.3.
Variant type: single nucleotide variant.
Coding change: c.3277A>G on transcript NM_000051.4 (MANE Select); coding-DNA position 3277, A replaced by G.
Protein change: p.Ile1093Val; replaces isoleucine 1093 with valine.
Molecular consequence: missense variant.
Genome position (GRCh38, 1-based): chr11:108,272,845, A>G. VCF-style: chr11-108272845-A-G. GRCh37 (hg19) VCF-style: chr11-108143572-A-G.
Other names: c.3277A>G, p.Ile1093Val (NM_001351834.2); short protein forms I1093V.
Identifiers: ClinVar variation 232276 (VCV000232276.28), dbSNP rs876659667, ClinGen allele CA10579092.

ClinVar aggregate classification (germline): Uncertain significance. Review status: criteria provided, multiple submitters, no conflicts (2 of 4 stars). 8 submissions from 8 submitters: Uncertain significance (7). 1 of the submissions does not count toward it. Last evaluated 2026-02-16.

Conditions:
Hereditary cancer-predisposing syndrome. Also called: Tumor predisposition; Neoplastic Syndromes, Hereditary; Hereditary Cancer Syndrome; Hereditary neoplastic syndrome. Identifiers: Orphanet 140162, MedGen C0027672, MeSH D009386, MONDO:0015356.
Ataxia-telangiectasia syndrome (AT). Also called: Ataxia-telangiectasia; Ataxia-telangiectasia, complementation group D; AT, COMPLEMENTATION GROUP C; Ataxia telangiectasia (A-T); Cerebello-oculocutaneous telangiectasia; Immunodeficiency with ataxia telangiectasia. Identifiers: Orphanet 100, MedGen C0004135, MONDO:0008840, OMIM 208900.

Allele frequency attached by ClinVar (database versions not stated): gnomAD exomes below 0.00001.
gnomAD v4.1: 2 of 1,614,048 alleles (0.00012%); highest among the groups gnomAD compares: Non-Finnish European, 0.00017%; no homozygotes.

Submissions (8):

Women's Health and Genetics/Laboratory Corporation of America, LabCorp
Classification: Uncertain significance. Last evaluated: 2026-02-16. Review status: criteria provided, single submitter. Criteria: LabCorp Variant Classification Summary - May 2015. Collection method: clinical testing. Allele origin: germline.
Comment: Variant summary: ATM c.3277A>G (p.Ile1093Val) results in a conservative amino acid change in the encoded protein sequence. Algorithms developed to predict the effect of missense changes on protein structure and function all suggest that this variant is likely to be tolerated. The variant allele was found at a frequency of 4e-06 in 251106 control chromosomes. The available data on variant occurrences in the general population are insufficient to allow any conclusion about variant significance. To our knowledge, no occurrence of c.3277A>G in individuals affected with ATM-related conditions and no experimental evidence demonstrating its impact on protein function have been reported. ClinVar contains an entry for this variant (Variation ID: 232276). Based on the evidence outlined above, the variant was classified as uncertain significance.

Labcorp Genetics (formerly Invitae), Labcorp
Classification: Uncertain significance for Ataxia-telangiectasia syndrome. Last evaluated: 2025-05-27. Review status: criteria provided, single submitter. Criteria: Invitae Variant Classification Sherloc (09022015). Collection method: clinical testing. Allele origin: germline.
Comment: This sequence change replaces isoleucine, which is neutral and non-polar, with valine, which is neutral and non-polar, at codon 1093 of the ATM protein (p.Ile1093Val). This variant is present in population databases (no rsID available, gnomAD 0.0009%). This variant has not been reported in the literature in individuals affected with ATM-related conditions. ClinVar contains an entry for this variant (Variation ID: 232276). Invitae Evidence Modeling of protein sequence and biophysical properties (such as structural, functional, and spatial information, amino acid conservation, physicochemical variation, residue mobility, and thermodynamic stability) indicates that this missense variant is not expected to disrupt ATM protein function with a negative predictive value of 95%. In summary, the available evidence is currently insufficient to determine the role of this variant in disease. Therefore, it has been classified as a Variant of Uncertain Significance.

Quest Diagnostics Nichols Institute San Juan Capistrano
Classification: Uncertain significance. Last evaluated: 2024-11-12. Review status: criteria provided, single submitter. Criteria: Quest Diagnostics criteria. Collection method: clinical testing. Allele origin: unknown.
Comment: The ATM c.3277A>G (p.Ile1093Val) variant has been identified in the published literature in reportedly healthy individuals (PMIDs: 33471991 (2021), 30287823 (2018), see also LOVD). The frequency of this variant in the general population, 0.000004 (1/251106 chromosomes (Genome Aggregation Database)), is uninformative in the assessment of its pathogenicity. Analysis of this variant using bioinformatics tools for the prediction of the effect of amino acid changes on protein structure and function yielded predictions that this variant is benign. Based on the available information, we are unable to determine the clinical significance of this variant.

GeneDx
Classification: Uncertain significance. Last evaluated: 2024-10-13. Review status: criteria provided, single submitter. Criteria: GeneDx Variant Classification Process June 2021. Collection method: clinical testing. Allele origin: germline. Affected: yes.
Comment: Not observed at significant frequency in large population cohorts (gnomAD); In silico analysis indicates that this missense variant does not alter protein structure/function; This variant is associated with the following publications: (PMID: 30287823, 19781682, 36243179, 33471991, 38327652)

Ambry Genetics
Classification: Uncertain significance for Hereditary cancer-predisposing syndrome. Last evaluated: 2023-10-06. Review status: criteria provided, single submitter. Criteria: Ambry Variant Classification Scheme 2023. Collection method: clinical testing. Allele origin: germline.
Comment: The p.I1093V variant (also known as c.3277A>G), located in coding exon 21 of the ATM gene, results from an A to G substitution at nucleotide position 3277. The isoleucine at codon 1093 is replaced by valine, an amino acid with highly similar properties. This variant was reported in 0/60,466 breast cancer cases and in 1/53,461 controls (Dorling et al. N Engl J Med. 2021 02;384:428-439). This alteration was not observed in unselected male breast cancer patients and was observed with an allele frequency of 0.0001 in 12,490 male controls of Japanese ancestry (Momozawa Y et al. Nat Commun, 2018 10;9:4083). This amino acid position is not well conserved in available vertebrate species. In addition, this alteration is predicted to be tolerated by in silico analysis. Since supporting evidence is limited at this time, the clinical significance of this alteration remains unclear.

Color Diagnostics, LLC DBA Color Health
Classification: Uncertain significance for Hereditary cancer-predisposing syndrome. Last evaluated: 2022-02-01. Review status: criteria provided, single submitter. Criteria: ACMG Guidelines, 2015. Collection method: clinical testing. Allele origin: germline.
Comment: This missense variant replaces isoleucine with valine at codon 1093 of the ATM protein. Computational prediction suggests that this variant may not impact protein structure and function (internally defined REVEL score threshold <= 0.5, PMID: 27666373). To our knowledge, functional studies have not been reported for this variant. This variant has not been reported in individuals affected with hereditary cancer in the literature. This variant has been identified in 1/251106 chromosomes in the general population by the Genome Aggregation Database (gnomAD). The available evidence is insufficient to determine the role of this variant in disease conclusively. Therefore, this variant is classified as a Variant of Uncertain Significance.

Revvity Omics, Revvity
Classification: Uncertain significance for Ataxia-telangiectasia syndrome. Last evaluated: 2021-12-01. Review status: criteria provided, single submitter. Criteria: ACMG Guidelines, 2015. Collection method: clinical testing. Allele origin: germline.

Natera, Inc.
Classification: Uncertain significance for Ataxia-telangiectasia. Last evaluated: 2021-01-20. Review status: no assertion criteria provided. Collection method: clinical testing. Allele origin: germline. Not counted in ClinVar's aggregate classification.

Literature cited by the submitters: PubMed 30287823 (cited by Quest Diagnostics Nichols Institute San Juan Capistrano and Ambry Genetics); PubMed 33471991 (cited by Quest Diagnostics Nichols Institute San Juan Capistrano and Ambry Genetics).